The following is an entry in ClinVar:

ClinVar aggregate classification (germline): Uncertain significance (3 of 4 stars; one submission).

Conditions:
Hereditary antithrombin deficiency (AT3D). Also called: Antithrombin III deficiency; Thrombophilia due to antithrombin III deficiency; Reduced antithrombin III activity; Antithrombin deficiency. Identifiers: Orphanet 82, MedGen C0272375, MONDO:0013144, OMIM 613118, HP:0001976.

Submission:

Clingen Thrombosis Variant Curation Expert Panel, ClinGen
Classification: Uncertain significance for Hereditary antithrombin deficiency. Last evaluated: 2024-02-19. Review status: reviewed by expert panel. Criteria: ClinGen ACMG Specifications SERPINC1 V1.0.0. Collection method: curation. Allele origin: germline. Inheritance: Autosomal dominant inheritance.
Comment: The c.1312A>G (NM_000488.3) variant in SERPINC1 is a missense variant predicted to cause substitution of arginine by glycine at amino acid 438 (p.Arg438Gly). The variant is absent from gnomAD v2.1.1, v3.1, v4.0.0 with good coverage across both genomes and exomes, meeting criteria for PM2_supporting. The computational predictor REVEL gives a score of 0.752, which is above the threshold of >0.6 and provides evidence that correlates with impact to SERPINC1 function, meeting criteria for PP3. In summary, based on the evidence available at this time, the clinical significance of this variant is uncertain. ACMG/AMP criteria applied, as specified by the Thrombosis Variant Curation Expert Panel for AT Deficiency for SERPINC1: PP3, PM2_Supporting, PS4_ Supporting.

NM_000488.4(SERPINC1):c.1312A>G (p.Arg438Gly)

Gene: SERPINC1 (serpin family C member 1; minus strand). Cytogenetic location: 1q25.1.
Variant type: single nucleotide variant.
Coding change: c.1312A>G on transcript NM_000488.4 (MANE Select); coding-DNA position 1312, A replaced by G.
Protein change: p.Arg438Gly; replaces arginine 438 with glycine.
Molecular consequence: missense variant.
Genome position (GRCh38, 1-based): chr1:173,903,972, T>C on the plus strand (A>G on the coding strand, the complement: SERPINC1 is on the minus strand). VCF-style: chr1-173903972-T-C. GRCh37 (hg19) VCF-style: chr1-173873110-T-C.
Other names: NM_001386306.1:c.1096A>G; c.1168A>G, p.Arg390Gly (NM_001365052.2); c.1435A>G, p.Arg479Gly (NM_001386302.1); c.1393A>G, p.Arg465Gly (NM_001386303.1); c.1291A>G, p.Arg431Gly (NM_001386304.1); c.1255A>G, p.Arg419Gly (NM_001386305.1); c.1096A>G, p.Arg366Gly (NM_001386306.1); short protein forms R366G, R390G, R419G, R431G, R438G, R465G, R479G.
Identifiers: ClinVar variation 3242373 (VCV003242373.1), dbSNP rs2526542705.
Genomic context (GRCh38, chr1:173,903,972, plus strand): 5'-CTCTGCCCATGAAGATAATAGTGTTCAGAGGAACTTCTCTTATAAAAACCAGGAAAGGCC[T>C]GTTGGCCTTGAAAGTCACCCTGTTGGGGTTTAGCGAACGGCCAGCAATCACAACAGCGGT-3'
Protein context (NP_000479.1, residues 428-448): NPNRVTFKAN[Arg438Gly]PFLVFIREVP